The following is an entry in ClinVar:

ClinVar aggregate classification (germline): Pathogenic (1 of 4 stars; one submission).

Conditions:
Combined oxidative phosphorylation defect type 14. Also called: Combined oxidative phosphorylation deficiency 14. Identifiers: Orphanet 319519, MedGen C4755312, MONDO:0013986, OMIM 614946.

gnomAD v4.1: 1 of 1,612,938 alleles (0.000062%); highest among the groups gnomAD compares: Non-Finnish European, 0.000085%; no homozygotes.

Submission:

Labcorp Genetics (formerly Invitae), Labcorp
Classification: Pathogenic for Combined oxidative phosphorylation defect type 14. Last evaluated: 2025-10-01. Review status: criteria provided, single submitter. Criteria: Invitae Variant Classification Sherloc (09022015). Collection method: clinical testing. Allele origin: germline.
Comment: This sequence change creates a premature translational stop signal (p.Tyr376*) in the FARS2 gene. It is expected to result in an absent or disrupted protein product. Loss-of-function variants in FARS2 are known to be pathogenic (PMID: 22833457). This variant is not present in population databases (gnomAD no frequency). This variant has not been reported in the literature in individuals affected with FARS2-related conditions. For these reasons, this variant has been classified as Pathogenic.

Literature cited by the submitters: PubMed 22833457.

NM_006567.5(FARS2):c.1128C>G (p.Tyr376Ter)

Gene: FARS2 (phenylalanyl-tRNA synthetase 2, mitochondrial; plus strand). Cytogenetic location: 6p25.1.
Variant type: single nucleotide variant.
Coding change: c.1128C>G on transcript NM_006567.5 (MANE Select); coding-DNA position 1128, C replaced by G.
Protein change: p.Tyr376Ter; replaces tyrosine 376 with a stop codon.
Molecular consequence: nonsense.
Genome position (GRCh38, 1-based): chr6:5,613,231, C>G. VCF-style: chr6-5613231-C-G. GRCh37 (hg19) VCF-style: chr6-5613464-C-G.
Other names: c.1128C>G, p.Tyr376Ter (NM_001318872.2, NM_001374875.1, NM_001374876.1 and 4 more transcripts); c.996C>G, p.Tyr332Ter (NM_001375258.1); c.432C>G, p.Tyr144Ter (NM_001375259.1, NM_001375260.1); short protein forms Y376*, Y144*, Y332*.
Identifiers: ClinVar variation 4728229 (VCV004728229.1).